The following is an entry in ClinVar:

NM_012470.4(TNPO3):c.1339A>G (p.Ile447Val)

Gene: TNPO3 (transportin 3; minus strand). Cytogenetic location: 7q32.1.
Variant type: single nucleotide variant.
Coding change: c.1339A>G on transcript NM_012470.4 (MANE Select); coding-DNA position 1339, A replaced by G.
Protein change: p.Ile447Val; replaces isoleucine 447 with valine.
Molecular consequence: missense variant. On other transcripts: non-coding transcript variant (16).
Genome position (GRCh38, 1-based): chr7:128,992,018, T>C on the plus strand (A>G on the coding strand, the complement: TNPO3 is on the minus strand). VCF-style: chr7-128992018-T-C. GRCh37 (hg19) VCF-style: chr7-128632072-T-C.
Other names: c.1339A>G, p.Ile447Val (NM_001191028.3, NM_001382216.1, NM_001382218.1 and 2 more transcripts); c.1420A>G, p.Ile474Val (NM_001382217.1); c.1231A>G, p.Ile411Val (NM_001382219.1); c.1195A>G, p.Ile399Val (NM_001382221.1); c.1192A>G, p.Ile398Val (NM_001382222.1); short protein forms I398V, I399V, I411V, I447V, I474V.
Identifiers: ClinVar variation 1496731 (VCV001496731.8), dbSNP rs749570438, ClinGen allele CA4478186.

ClinVar aggregate classification (germline): Uncertain significance (1 of 4 stars; one submission).

Conditions:
Autosomal dominant limb-girdle muscular dystrophy type 1F (LGMDD2). Also called: Limb-girdle muscular dystrophy, type 1F; MUSCULAR DYSTROPHY, LIMB-GIRDLE, AUTOSOMAL DOMINANT 2. Identifiers: Orphanet 55595, MedGen C1842062, MONDO:0012034, OMIM 608423.

Allele frequency attached by ClinVar (database versions not stated): gnomAD 0.00001; gnomAD exomes 0.00001 and 0.00002; TOPMed 0.00002; ExAC 0.00003.
gnomAD v4.1: 10 of 1,610,616 alleles (0.00062%); highest among the groups gnomAD compares: Admixed American, 0.013%; no homozygotes.

Submission:

Labcorp Genetics (formerly Invitae), Labcorp
Classification: Uncertain significance for Autosomal dominant limb-girdle muscular dystrophy type 1F. Last evaluated: 2025-12-09. Review status: criteria provided, single submitter. Criteria: Invitae Variant Classification Sherloc (09022015). Collection method: clinical testing. Allele origin: germline.
Comment: This sequence change replaces isoleucine, which is neutral and non-polar, with valine, which is neutral and non-polar, at codon 447 of the TNPO3 protein (p.Ile447Val). This variant is present in population databases (rs749570438, gnomAD 0.02%). This variant has not been reported in the literature in individuals affected with TNPO3-related conditions. ClinVar contains an entry for this variant (Variation ID: 1496731). Invitae Evidence Modeling of protein sequence and biophysical properties (such as structural, functional, and spatial information, amino acid conservation, physicochemical variation, residue mobility, and thermodynamic stability) indicates that this missense variant is not expected to disrupt TNPO3 protein function with a negative predictive value of 80%. In summary, the available evidence is currently insufficient to determine the role of this variant in disease. Therefore, it has been classified as a Variant of Uncertain Significance.